The following is an entry in ClinVar:

ClinVar aggregate classification (germline): Benign/Likely benign. Review status: criteria provided, multiple submitters, no conflicts (2 of 4 stars). 7 submissions from 7 submitters: Benign (3); Likely benign (3). 1 of the submissions does not count toward it. Last evaluated 2026-01-27.

Conditions:
FHL1-related disorder. Also called: FHL1-related condition; FHL1-related disorders.
Cardiovascular phenotype. Identifiers: MedGen CN230736.
X-linked myopathy with postural muscle atrophy. Also called: FHL1-Related Emery-Dreifuss Muscular Dystrophy, X-Linked. Identifiers: Orphanet 178461, MedGen C2678055, MONDO:0010401, OMIM 300696.

Allele frequency attached by ClinVar (database versions not stated): gnomAD exomes 0.00005 and 0.00013; ExAC 0.00017; 1000 Genomes Project 30x 0.00042; 1000 Genomes Project 0.00053; TOPMed 0.00055; ESP Exome Variant Server 0.00057; gnomAD 0.00058 and 0.00067.
gnomAD v4.1: 119 of 1,211,485 alleles (0.0098%); highest among the groups gnomAD compares: African/African-American, 0.2%; no homozygotes.

Submissions (7):

Labcorp Genetics (formerly Invitae), Labcorp
Classification: Benign for X-linked myopathy with postural muscle atrophy. Last evaluated: 2026-01-27. Review status: criteria provided, single submitter. Criteria: Invitae Variant Classification Sherloc (09022015). Collection method: clinical testing. Allele origin: germline.

Blueprint Genetics
Classification: Likely benign. Last evaluated: 2022-07-08. Review status: criteria provided, single submitter. Criteria: ACMG Guidelines, 2015. Collection method: clinical testing. Allele origin: germline.

GeneDx
Classification: Likely benign. Last evaluated: 2021-01-26. Review status: criteria provided, single submitter. Criteria: GeneDx Variant Classification Process June 2021. Collection method: clinical testing. Allele origin: germline. Affected: yes.

Athena Diagnostics
Classification: Benign. Last evaluated: 2020-09-17. Review status: criteria provided, single submitter. Criteria: Athena Diagnostics criteria. Collection method: clinical testing. Allele origin: unknown.

Ambry Genetics
Classification: Benign for Cardiovascular phenotype. Last evaluated: 2019-05-21. Review status: criteria provided, single submitter. Criteria: Ambry Variant Classification Scheme 2023. Collection method: clinical testing. Allele origin: germline.

Eurofins Ntd Llc (ga)
Classification: Likely benign. Last evaluated: 2017-06-22. Review status: criteria provided, single submitter. Criteria: EGL Classification Definitions 2015. Collection method: clinical testing. Allele origin: germline. Observed: 1 variant allele, 1 heterozygote.

PreventionGenetics, part of Exact Sciences
Classification: Likely benign for FHL1-related condition. Last evaluated: 2022-04-22. Review status: no assertion criteria provided. Collection method: clinical testing. Allele origin: germline. Not counted in ClinVar's aggregate classification.
Comment: This variant is classified as likely benign based on ACMG/AMP sequence variant interpretation guidelines (Richards et al. 2015 PMID: 25741868, with internal and published modifications).

NM_001159699.2(FHL1):c.114G>A (p.Lys38=)

Gene: FHL1 (four and a half LIM domains 1; plus strand). Cytogenetic location: Xq26.3.
Variant type: single nucleotide variant.
Coding change: c.114G>A on transcript NM_001159699.2 (MANE Select); coding-DNA position 114, G replaced by A.
Protein change: p.Lys38=; no amino-acid change (lysine 38 retained).
Molecular consequence: synonymous variant. On other transcripts: non-coding transcript variant (1).
Genome position (GRCh38, 1-based): chrX:136,206,498, G>A. VCF-style: chrX-136206498-G-A. GRCh37 (hg19) VCF-style: chrX-135288657-G-A.
Other names: c.66G>A, p.Lys22= (NM_001159700.2, NM_001159702.3, NM_001159703.2 and 9 more transcripts); c.153G>A, p.Lys51= (NM_001159701.2); c.114G>A, p.Lys38= (NM_001330659.2); c.66G>A (NM_001159702.2).
Identifiers: ClinVar variation 288181 (VCV000288181.22), dbSNP rs140149764, ClinGen allele CA10524950.